The following is an entry in ClinVar:

ClinVar aggregate classification (germline): Uncertain significance. Review status: criteria provided, multiple submitters, no conflicts (2 of 4 stars). 2 submissions from 2 submitters: Uncertain significance (2). Last evaluated 2022-10-20.

Conditions:
Hereditary cancer-predisposing syndrome. Also called: Neoplastic Syndromes, Hereditary; Hereditary Cancer Syndrome; Tumor predisposition; Hereditary neoplastic syndrome. Identifiers: Orphanet 140162, MedGen C0027672, MeSH D009386, MONDO:0015356.
Ataxia-telangiectasia syndrome (AT). Also called: LOUIS-BAR SYNDROME; Cerebello-oculocutaneous telangiectasia; Immunodeficiency with ataxia telangiectasia; Ataxia-telangiectasia, complementation group D; AT, COMPLEMENTATION GROUP C; Ataxia-telangiectasia, complementation group E. Identifiers: Orphanet 100, MedGen C0004135, MONDO:0008840, OMIM 208900.

Submissions (2):

Labcorp Genetics (formerly Invitae), Labcorp
Classification: Uncertain significance for Ataxia-telangiectasia syndrome. Last evaluated: 2022-10-20. Review status: criteria provided, single submitter. Criteria: Invitae Variant Classification Sherloc (09022015). Collection method: clinical testing. Allele origin: germline.
Comment: This sequence change replaces leucine, which is neutral and non-polar, with methionine, which is neutral and non-polar, at codon 2319 of the ATM protein (p.Leu2319Met). In summary, the available evidence is currently insufficient to determine the role of this variant in disease. Therefore, it has been classified as a Variant of Uncertain Significance. Algorithms developed to predict the effect of missense changes on protein structure and function are either unavailable or do not agree on the potential impact of this missense change (SIFT: "Deleterious"; PolyPhen-2: "Possibly Damaging"; Align-GVGD: "Class C0"). ClinVar contains an entry for this variant (Variation ID: 482644). This variant has not been reported in the literature in individuals affected with ATM-related conditions. This variant is not present in population databases (gnomAD no frequency).

Ambry Genetics
Classification: Uncertain significance for Hereditary cancer-predisposing syndrome. Last evaluated: 2016-10-13. Review status: criteria provided, single submitter. Criteria: Ambry Variant Classification Scheme 2023. Collection method: clinical testing. Allele origin: germline.
Comment: The p.L2319M variant (also known as c.6955T>A), located in coding exon 46 of the ATM gene, results from a T to A substitution at nucleotide position 6955. The leucine at codon 2319 is replaced by methionine, an amino acid with highly similar properties. This variant was not reported in population based cohorts in the following databases: Database of Single Nucleotide Polymorphisms (dbSNP), NHLBI Exome Sequencing Project (ESP), and 1000 Genomes Project. In the ESP, this variant was not observed in 6499 samples (12998 alleles) with coverage at this position. To date, this alteration has been detected with an allele frequency of approximately 0.001% (greater than 180000 alleles tested) in our clinical cohort. This amino acid position is highly conserved in available vertebrate species. In addition, this alteration is predicted to be tolerated by in silico analysis. Since supporting evidence is limited at this time, the clinical significance of this alteration remains unclear.

NM_000051.4(ATM):c.6955T>A (p.Leu2319Met)

Genes: ATM (ATM serine/threonine kinase; plus strand), C11orf65 (chromosome 11 open reading frame 65; minus strand). Cytogenetic location: 11q22.3.
Variant type: single nucleotide variant.
Coding change: c.6955T>A on transcript NM_000051.4 (MANE Select); coding-DNA position 6955, T replaced by A.
Protein change: p.Leu2319Met; replaces leucine 2319 with methionine.
Molecular consequence: missense variant. On other transcripts: intron variant (2).
Genome position (GRCh38, 1-based): chr11:108,326,205, T>A. VCF-style: chr11-108326205-T-A. GRCh37 (hg19) VCF-style: chr11-108196932-T-A.
Other names: c.6955T>A, p.Leu2319Met (NM_001351834.2); c.641-17134A>T (NM_001330368.2); c.*38+9015A>T (NM_001351110.2); short protein forms L2319M.
Identifiers: ClinVar variation 482644 (VCV000482644.13), dbSNP rs1555120047, ClinGen allele CA382557347.